The following is an entry in ClinVar:

ClinVar aggregate classification (germline): Likely benign (1 of 4 stars; one submission).

gnomAD v4.1: 46 of 1,613,840 alleles (0.0029%); highest among the groups gnomAD compares: Non-Finnish European, 0.0036%; no homozygotes.

Submission:

CeGaT Center for Human Genetics Tuebingen
Classification: Likely benign. Last evaluated: 2025-02-01. Review status: criteria provided, single submitter. Criteria: CeGaT Center For Human Genetics Tuebingen Variant Classification Criteria Version 2. Collection method: clinical testing. Allele origin: germline. Affected: yes. Observed: 1 variant allele.
Comment: SFMBT2: BP4, BP7

NM_001387889.1(SFMBT2):c.375C>T (p.Ile125=)

Gene: SFMBT2 (Scm like with four mbt domains 2; minus strand). Cytogenetic location: 10p14.
Variant type: single nucleotide variant.
Coding change: c.375C>T on transcript NM_001387889.1 (MANE Select); coding-DNA position 375, C replaced by T.
Protein change: p.Ile125=; no amino-acid change (isoleucine 125 retained).
Molecular consequence: synonymous variant. On other transcripts: 5 prime UTR variant (1).
Genome position (GRCh38, 1-based): chr10:7,367,710, G>A on the plus strand (C>T on the coding strand, the complement: SFMBT2 is on the minus strand). VCF-style: chr10-7367710-G-A. GRCh37 (hg19) VCF-style: chr10-7409672-G-A.
Other names: c.375C>T, p.Ile125= (NM_001018039.1, NM_001029880.3, NM_001387891.1); c.-191C>T (NM_001387890.1).
Identifiers: ClinVar variation 3771525 (VCV003771525.13).